The following is an entry in ClinVar:

NM_000843.4(GRM6):c.2119dup (p.Leu707fs)

Genes: GRM6 (glutamate metabotropic receptor 6; minus strand), ZNF454 (zinc finger protein 454; plus strand). Cytogenetic location: 5q35.3.
Variant type: Duplication.
Coding change: c.2119dup on transcript NM_000843.4 (MANE Select); coding-DNA position 2119, one base duplicated (C; older notation c.2119dupC).
Protein change: p.Leu707fs; shifts the reading frame from leucine 707.
Molecular consequence: frameshift variant.
Genome position (GRCh38, 1-based): chr5:178,986,135, G duplicated on the plus strand (C on the coding strand, the reverse complement: GRM6 is on the minus strand); the first of 3 consecutive G bases (chr5:178,986,135-178,986,137); duplicating any one gives the same sequence. VCF-style (leftmost placement, unchanged base first): chr5-178986134-A-AG. GRCh37 (hg19) VCF-style: chr5-178413135-A-AG.
Other names: short protein forms L707fs.
Identifiers: ClinVar variation 1437040 (VCV001437040.7), dbSNP rs2113326773, ClinGen allele CA2535273600.

ClinVar aggregate classification (germline): Pathogenic. Review status: criteria provided, multiple submitters, no conflicts (2 of 4 stars). 2 submissions from 2 submitters: Pathogenic (2). Last evaluated 2024-07-04.

Submissions (2):

Dasa
Classification: Pathogenic. Last evaluated: 2024-07-04. Review status: criteria provided, single submitter. Criteria: DASA Assertion Criteria. Collection method: clinical testing. Allele origin: germline.
Comment: NM_000843.4(GRM6):c.2119dup (p.Leu707Profs*20) introduces a premature termination codon predicted to result in loss of normal protein function. Loss-of-function is an established mechanism of disease for this gene. Based on the available data, this variant is classified as pathogenic.

Labcorp Genetics (formerly Invitae), Labcorp
Classification: Pathogenic. Last evaluated: 2023-02-18. Review status: criteria provided, single submitter. Criteria: Invitae Variant Classification Sherloc (09022015). Collection method: clinical testing. Allele origin: germline.
Comment: This variant has not been reported in the literature in individuals affected with GRM6-related conditions. This sequence change creates a premature translational stop signal (p.Leu707Profs*20) in the GRM6 gene. It is expected to result in an absent or disrupted protein product. Loss-of-function variants in GRM6 are known to be pathogenic (PMID: 15781871, 16622103, 22008250). This variant is not present in population databases (gnomAD no frequency). ClinVar contains an entry for this variant (Variation ID: 1437040). For these reasons, this variant has been classified as Pathogenic.

Literature cited by the submitters: PubMed 15781871 (cited by Labcorp Genetics (formerly Invitae), Labcorp); PubMed 16622103 (cited by Labcorp Genetics (formerly Invitae), Labcorp); PubMed 22008250 (cited by Labcorp Genetics (formerly Invitae), Labcorp).